The following is an entry in ClinVar:

ClinVar aggregate classification (germline): Uncertain significance (1 of 4 stars; one submission).

Conditions:
BCORL1-related disorder. Also called: BCORL1-related condition.

Allele frequency attached by ClinVar (database versions not stated): TOPMed 0.00001.

Submission:

PreventionGenetics, part of Exact Sciences
Classification: Uncertain significance for BCORL1-related condition. Last evaluated: 2023-07-29. Review status: criteria provided, single submitter. Criteria: ACMG Guidelines, 2015. Collection method: clinical testing. Allele origin: germline.
Comment: The BCORL1 c.1247G>A variant is predicted to result in the amino acid substitution p.Ser416Asn. To our knowledge, this variant has not been reported in the literature or in a large population database, indicating this variant is rare. At this time, the clinical significance of this variant is uncertain due to the absence of conclusive functional and genetic evidence.

NM_001379451.1(BCORL1):c.1247G>A (p.Ser416Asn)

Gene: BCORL1 (BCL6 corepressor like 1; plus strand). Cytogenetic location: Xq26.1.
Variant type: single nucleotide variant.
Coding change: c.1247G>A on transcript NM_001379451.1 (MANE Select); coding-DNA position 1247, G replaced by A.
Protein change: p.Ser416Asn; replaces serine 416 with asparagine.
Molecular consequence: missense variant.
Genome position (GRCh38, 1-based): chrX:130,014,019, G>A. VCF-style: chrX-130014019-G-A. GRCh37 (hg19) VCF-style: chrX-129147995-G-A.
Other names: c.1247G>A, p.Ser416Asn (NM_001184772.3, NM_001379450.1, NM_021946.5); short protein forms S416N.
Identifiers: ClinVar variation 2631805 (VCV002631805.1), dbSNP rs1929205587, ClinGen allele CA414581107.
Genomic context (GRCh38, chrX:130,014,019, plus strand): 5'-CCATGCCTGCTGCCACGCCAGCTGCCATTCCCACCTCTGCACCCATCCCGGCCTCCTTCA[G>A]TTTGAGTAGAGTGTGCTTTCCTGCAGCTCAGGCACCAGCTATGCAAAAAGTCCCCCTGTC-3'
Protein context (NP_001366380.1, residues 406-426): PTSAPIPASF[Ser416Asn]LSRVCFPAAQ